The following is an entry in ClinVar:

NM_032122.5(DTNBP1):c.342G>A (p.Met114Ile)

Gene: DTNBP1 (dystrobrevin binding protein 1; minus strand). Cytogenetic location: 6p22.3.
Variant type: single nucleotide variant.
Coding change: c.342G>A on transcript NM_032122.5 (MANE Select); coding-DNA position 342, G replaced by A.
Protein change: p.Met114Ile; replaces methionine 114 with isoleucine.
Molecular consequence: missense variant. On other transcripts: non-coding transcript variant (1).
Genome position (GRCh38, 1-based): chr6:15,627,356, C>T on the plus strand (G>A on the coding strand, the complement: DTNBP1 is on the minus strand). VCF-style: chr6-15627356-C-T. GRCh37 (hg19) VCF-style: chr6-15627587-C-T.
Other names: c.99G>A, p.Met33Ile (NM_001271667.2); c.291G>A, p.Met97Ile (NM_001271668.2); c.237G>A, p.Met79Ile (NM_001271669.2); c.342G>A, p.Met114Ile (NM_183040.2); short protein forms M114I, M33I, M79I, M97I.
Identifiers: ClinVar variation 4688500 (VCV004688500.1).

ClinVar aggregate classification (germline): Uncertain significance (1 of 4 stars; one submission).

Submission:

Women's Health and Genetics/Laboratory Corporation of America, LabCorp
Classification: Uncertain significance. Last evaluated: 2025-12-08. Review status: criteria provided, single submitter. Criteria: LabCorp Variant Classification Summary - May 2015. Collection method: clinical testing. Allele origin: germline.
Comment: Variant summary: DTNBP1 c.342G>A (p.Met114Ile) results in a conservative amino acid change in the encoded protein sequence. Algorithms developed to predict the effect of missense changes on protein structure and function all suggest that this variant is likely to be tolerated. The variant allele was found at a frequency of 4e-06 in 250574 control chromosomes. The available data on variant occurrences in the general population are insufficient to allow any conclusion about variant significance. To our knowledge, no occurrence of c.342G>A in individuals affected with DTNBP1-related conditions and no experimental evidence demonstrating its impact on protein function have been reported. No submitters have cited clinical-significance assessments for this variant to ClinVar. Based on the evidence outlined above, the variant was classified as uncertain significance.